The following is an entry in ClinVar:

NM_000257.4(MYH7):c.1534G>A (p.Asp512Asn)

Gene: MYH7 (myosin heavy chain 7; minus strand). Cytogenetic location: 14q11.2.
Variant type: single nucleotide variant.
Coding change: c.1534G>A on transcript NM_000257.4 (MANE Select); coding-DNA position 1534, G replaced by A.
Protein change: p.Asp512Asn; replaces aspartic acid 512 with asparagine.
Molecular consequence: missense variant.
Genome position (GRCh38, 1-based): chr14:23,428,544, C>T on the plus strand (G>A on the coding strand, the complement: MYH7 is on the minus strand). VCF-style: chr14-23428544-C-T. GRCh37 (hg19) VCF-style: chr14-23897753-C-T.
Other names: short protein forms D512N.
Identifiers: ClinVar variation 629544 (VCV000629544.4), dbSNP rs1566534648, ClinGen allele CA389050381.
Genomic context (GRCh38, chr14:23,428,544, plus strand): 5'-AAGGCCAAAGAGGCACCTTCTCGATGAGGTCAATGCAGGCCTGCAGGTCCATGCCAAAGT[C>T]AATGAATGTCCACTCGATGCCCTCCTTCTTGTACTCCTCCTGCTCCAGCACAAACATGTG-3'
Protein context (NP_000248.2, residues 502-522): KKEGIEWTFI[Asp512Asn]FGMDLQACID

ClinVar aggregate classification (germline): Uncertain significance (1 of 4 stars; one submission).

Conditions:
Cardiomyopathy (CMYO). Also called: Cardiomyopathies. Identifiers: Orphanet 167848, MedGen C0878544, MONDO:0004994, HP:0001638. Inheritance: Various modes of inheritance.

Submission:

Color Diagnostics, LLC DBA Color Health
Classification: Uncertain significance for Cardiomyopathy. Last evaluated: 2023-12-05. Review status: criteria provided, single submitter. Criteria: ACMG Guidelines, 2015. Collection method: clinical testing. Allele origin: germline.
Comment: Variant of Uncertain Significance due to insufficient evidence: This missense variant is located in the myosin head/motor (S1) domain of the MYH7 protein. Computational prediction tools and conservation analyses suggest that this variant may have deleterious impact on the protein function. Computational splicing tools suggest that this variant may not impact RNA splicing. To our knowledge, functional assays have not been performed for this variant nor has this variant been reported in individuals affected with cardiovascular disorders in the literature. This variant is rare in the general population and has been identified in 0/277264 chromosomes by the Genome Aggregation Database (gnomAD). Available evidence is insufficient to determine the pathogenicity of this variant conclusively.